The following is an entry in ClinVar:

ClinVar aggregate classification (germline): Uncertain significance (1 of 4 stars; one submission).

Conditions:
Inborn genetic diseases. Identifiers: MedGen C0950123, MeSH D030342.

Allele frequency attached by ClinVar (database versions not stated): gnomAD exomes below 0.00001; TOPMed 0.00001.

Submission:

Ambry Genetics
Classification: Uncertain significance for Inborn genetic diseases. Last evaluated: 2022-05-02. Review status: criteria provided, single submitter. Criteria: Ambry Variant Classification Scheme 2023. Collection method: clinical testing. Allele origin: germline.
Comment: The c.3635+3dupA alteration is located in Intron 20 (E) of the CCDC88C gene. This alteration consists of a duplication of 1 nucleotides between nucleotide positions c.36353 and c.36353 within Intron 20 (E). Based on insufficient or conflicting evidence, the clinical significance of this alteration remains unclear.

NM_001080414.4(CCDC88C):c.3635+3dup

Gene: CCDC88C (coiled-coil domain containing 88C; minus strand). Cytogenetic location: 14q32.11.
Variant type: Duplication.
Coding change: c.3635+3dup on transcript NM_001080414.4 (MANE Select); 3 bases into the intron after coding-DNA position 3635, one base duplicated (A; older notation c.3635+3dupA).
Molecular consequence: intron variant.
Genome position (GRCh38, 1-based): chr14:91,303,698, T duplicated on the plus strand (A on the coding strand, the reverse complement: CCDC88C is on the minus strand). VCF-style (leftmost placement, unchanged base first): chr14-91303697-C-CT. GRCh37 (hg19) VCF-style: chr14-91770041-C-CT.
Identifiers: ClinVar variation 2284143 (VCV002284143.2), dbSNP rs1891431745, ClinGen allele CA965929523.
Genomic context (GRCh38, chr14:91,303,697, plus strand): 5'-CTGGGCCCAGCCTCTCCTCTGGACTCTACCCCTCCCCAGATCCCCTTCCTTCCCCAGGCC[C>CT]TACCTCTCCCCGAGCTCCTTGTGCTCCAGCTCCAGATTCCGATGCAGTGTCTTTAGGCAG-3'